The following is an entry in ClinVar:

ClinVar aggregate classification (germline): Uncertain significance (1 of 4 stars; one submission).

Conditions:
Early-infantile DEE. Also called: Early infantile epileptic encephalopathy; Early infantile epileptic encephalopathy with suppression bursts; Ohtahara syndrome. Identifiers: Orphanet 1934, MedGen C0393706, MONDO:0800491.

Submission:

Labcorp Genetics (formerly Invitae), Labcorp
Classification: Uncertain significance for Early-infantile DEE. Last evaluated: 2024-04-01. Review status: criteria provided, single submitter. Criteria: Invitae Variant Classification Sherloc (09022015). Collection method: clinical testing. Allele origin: germline.
Comment: This sequence change replaces alanine, which is neutral and non-polar, with valine, which is neutral and non-polar, at codon 1301 of the SCN1A protein (p.Ala1301Val). This variant is not present in population databases (gnomAD no frequency). This variant has not been reported in the literature in individuals affected with SCN1A-related conditions. ClinVar contains an entry for this variant (Variation ID: 461267). Advanced modeling of protein sequence and biophysical properties (such as structural, functional, and spatial information, amino acid conservation, physicochemical variation, residue mobility, and thermodynamic stability) performed at Invitae indicates that this missense variant is expected to disrupt SCN1A protein function with a positive predictive value of 95%. In summary, the available evidence is currently insufficient to determine the role of this variant in disease. Therefore, it has been classified as a Variant of Uncertain Significance.

NM_001165963.4(SCN1A):c.3902C>T (p.Ala1301Val)

Genes: SCN1A (sodium voltage-gated channel alpha subunit 1; minus strand), LOC102724058 (uncharacterized LOC102724058; plus strand). Cytogenetic location: 2q24.3.
Variant type: single nucleotide variant.
Coding change: c.3902C>T on transcript NM_001165963.4 (MANE Select); coding-DNA position 3902, C replaced by T.
Protein change: p.Ala1301Val; replaces alanine 1301 with valine.
Molecular consequence: missense variant. On other transcripts: non-coding transcript variant (1).
Genome position (GRCh38, 1-based): chr2:166,009,819, G>A on the plus strand (C>T on the coding strand, the complement: SCN1A is on the minus strand). VCF-style: chr2-166009819-G-A. GRCh37 (hg19) VCF-style: chr2-166866329-G-A.
Other names: c.3818C>T, p.Ala1273Val (NM_001165964.3, NM_001353957.2, NM_001353958.2); c.3902C>T, p.Ala1301Val (NM_001202435.3, NM_001353948.2); c.3869C>T, p.Ala1290Val (NM_001353949.2, NM_001353950.2, NM_001353951.2 and 2 more transcripts); c.3866C>T, p.Ala1289Val (NM_001353954.2, NM_001353955.2); c.3815C>T, p.Ala1272Val (NM_001353960.2); c.1460C>T, p.Ala487Val (NM_001353961.2); short protein forms A1301V, A1290V, A1272V, A1289V, A1273V, A487V.
Identifiers: ClinVar variation 461267 (VCV000461267.9), dbSNP rs1553529579, ClinGen allele CA349053415.